The following is an entry in ClinVar:

NM_078480.3(PUF60):c.100A>T (p.Lys34Ter)

Gene: PUF60 (poly(U) binding splicing factor 60; minus strand). Cytogenetic location: 8q24.3.
Variant type: single nucleotide variant.
Coding change: c.100A>T on transcript NM_078480.3 (MANE Select); coding-DNA position 100, A replaced by T.
Protein change: p.Lys34Ter; replaces lysine 34 with a stop codon.
Molecular consequence: nonsense. On other transcripts: 5 prime UTR variant (2), intron variant (2).
Genome position (GRCh38, 1-based): chr8:143,824,324, T>A on the plus strand (A>T on the coding strand, the complement: PUF60 is on the minus strand). VCF-style: chr8-143824324-T-A. GRCh37 (hg19) VCF-style: chr8-144906494-T-A.
Other names: c.-30A>T (NM_001136033.3, NM_001271100.2); c.97A>T, p.Lys33Ter (NM_001271096.2, NM_001271098.2); c.211A>T, p.Lys71Ter (NM_001362895.2, NM_001362896.2, NM_001362897.2); c.100A>T, p.Lys34Ter (NM_014281.5); c.25-2411A>T (NM_001271097.2, NM_001271099.2); short protein forms K33*, K34*, K71*.
Identifiers: ClinVar variation 4885063 (VCV004885063.2).

ClinVar aggregate classification (germline): Likely pathogenic (1 of 4 stars; one submission).

Submission:

Dasa
Classification: Likely pathogenic. Last evaluated: 2026-02-21. Review status: criteria provided, single submitter. Criteria: DASA Assertion Criteria. Collection method: clinical testing. Allele origin: germline.
Comment: NM_078480.3(PUF60):c.100A>T (p.Lys34*) is a nonsense variant in PUF60 predicted to introduce a premature termination codon and is predicted to result in an absent or altered protein product. Loss of function is an established disease mechanism for PUF60 (PMID: 24140112; PMID: 27804958; PMID: 28327570). Also, this variant is absent from population databases. Based on the currently available evidence, this variant is classified as likely pathogenic.

Literature cited by the submitters: PubMed 24140112; PubMed 27804958; PubMed 28327570.